The following is an entry in ClinVar:

ClinVar aggregate classification (germline): Uncertain significance. Review status: criteria provided, multiple submitters, no conflicts (2 of 4 stars). 5 submissions from 5 submitters: Uncertain significance (5). Last evaluated 2024-12-12.

Conditions:
Fanconi anemia (FA). Also called: Fanconi's anemia. Identifiers: Orphanet 84, MedGen C0015625, MeSH D005199, MONDO:0019391.
Fanconi anemia complementation group D2. Also called: FANCONI PANCYTOPENIA, TYPE 4; FANCONI ANEMIA, COMPLEMENTATION GROUP D; FANCD2-Related Fanconi Anemia. Identifiers: Orphanet 84, MedGen C3160738, MONDO:0009214, OMIM 227646.

Allele frequency attached by ClinVar (database versions not stated): TOPMed 0.00001; gnomAD 0.00003 and 0.00004; gnomAD exomes 0.00003; ExAC 0.00004.

Submissions (5):

Labcorp Genetics (formerly Invitae), Labcorp
Classification: Uncertain significance for Fanconi anemia. Last evaluated: 2024-12-12. Review status: criteria provided, single submitter. Criteria: Invitae Variant Classification Sherloc (09022015). Collection method: clinical testing. Allele origin: germline.
Comment: This sequence change replaces histidine, which is basic and polar, with tyrosine, which is neutral and polar, at codon 86 of the FANCD2 protein (p.His86Tyr). This variant is present in population databases (rs767659342, gnomAD 0.006%). This variant has not been reported in the literature in individuals affected with FANCD2-related conditions. ClinVar contains an entry for this variant (Variation ID: 1416079). Invitae Evidence Modeling of protein sequence and biophysical properties (such as structural, functional, and spatial information, amino acid conservation, physicochemical variation, residue mobility, and thermodynamic stability) indicates that this missense variant is expected to disrupt FANCD2 protein function with a positive predictive value of 80%. In summary, the available evidence is currently insufficient to determine the role of this variant in disease. Therefore, it has been classified as a Variant of Uncertain Significance.

CeGaT Center for Human Genetics Tuebingen
Classification: Uncertain significance. Last evaluated: 2024-09-01. Review status: criteria provided, single submitter. Criteria: CeGaT Center For Human Genetics Tuebingen Variant Classification Criteria Version 2. Collection method: clinical testing. Allele origin: germline. Affected: yes. Observed: 1 variant allele.
Comment: FANCD2: PM2

Blueprint Genetics
Classification: Uncertain significance. Last evaluated: 2024-06-19. Review status: criteria provided, single submitter. Criteria: ACMG Guidelines, 2015. Collection method: clinical testing. Allele origin: germline.

Women's Health and Genetics/Laboratory Corporation of America, LabCorp
Classification: Uncertain significance. Last evaluated: 2022-06-09. Review status: criteria provided, single submitter. Criteria: LabCorp Variant Classification Summary - May 2015. Collection method: clinical testing. Allele origin: germline.
Comment: Variant summary: FANCD2 c.256C>T (p.His86Tyr) results in a conservative amino acid change in the encoded protein sequence. Three of five in-silico tools predict a damaging effect of the variant on protein function. The variant allele was found at a frequency of 2.8e-05 in 251452 control chromosomes. The available data on variant occurrences in the general population are insufficient to allow any conclusion about variant significance. To our knowledge, no occurrence of c.256C>T in individuals affected with Fanconi Anemia and no experimental evidence demonstrating its impact on protein function have been reported. One clinical diagnostic laboratory has submitted clinical-significance assessments for this variant to ClinVar after 2014 and classified the variant as uncertain significance. Based on the evidence outlined above, the variant was classified as uncertain significance.

Fulgent Genetics
Classification: Uncertain significance for Fanconi anemia complementation group D2. Last evaluated: 2022-03-16. Review status: criteria provided, single submitter. Criteria: ACMG Guidelines, 2015. Collection method: clinical testing. Allele origin: unknown.

NM_001018115.3(FANCD2):c.256C>T (p.His86Tyr)

Genes: FANCD2 (FA complementation group D2; plus strand), LOC107303338 (3p25 FANCD2 Alu-mediated recombination region; plus strand). Cytogenetic location: 3p25.3.
Variant type: single nucleotide variant.
Coding change: c.256C>T on transcript NM_001018115.3 (MANE Select); coding-DNA position 256, C replaced by T.
Protein change: p.His86Tyr; replaces histidine 86 with tyrosine.
Molecular consequence: missense variant.
Genome position (GRCh38, 1-based): chr3:10,034,519, C>T. VCF-style: chr3-10034519-C-T. GRCh37 (hg19) VCF-style: chr3-10076203-C-T.
Other names: c.256C>T, p.His86Tyr (NM_001319984.2, NM_001374253.1, NM_001374254.1 and 2 more transcripts); short protein forms H86Y.
Identifiers: ClinVar variation 1416079 (VCV001416079.22), dbSNP rs767659342, ClinGen allele CA2249157.
Genomic context (GRCh38, chr3:10,034,519, plus strand): 5'-TTCTGCATAGCTGTGGATCAAATAGCTTTCCAAAAGAAGCTCTTTCAGACCCTGAGGAGA[C>T]ACCCTTCCTATCCCAAAGTATGTATTTTTCCCCTGGTATTTTTGCTTGTGCCAGCATAAC-3'
Protein context (NP_001018125.1, residues 76-96): QKKLFQTLRR[His86Tyr]PSYPKIIEEF